The following is an entry in ClinVar:

ClinVar aggregate classification (germline): Uncertain significance (1 of 4 stars; one submission).

Allele frequency attached by ClinVar (database versions not stated): gnomAD exomes 0.00001; ExAC 0.00004; gnomAD 0.00012; TOPMed 0.00013; 1000 Genomes Project 30x 0.00016; 1000 Genomes Project 0.00020; ESP Exome Variant Server 0.00031.
gnomAD v4.1: 30 of 1,612,082 alleles (0.0019%); highest among the groups gnomAD compares: African/African-American, 0.035%; no homozygotes.

Submission:

Labcorp Genetics (formerly Invitae), Labcorp
Classification: Uncertain significance. Last evaluated: 2025-11-27. Review status: criteria provided, single submitter. Criteria: Invitae Variant Classification Sherloc (09022015). Collection method: clinical testing. Allele origin: germline.
Comment: This sequence change replaces proline, which is neutral and non-polar, with serine, which is neutral and polar, at codon 3244 of the HMCN1 protein (p.Pro3244Ser). This variant is present in population databases (rs141255890, gnomAD 0.05%). This variant has not been reported in the literature in individuals affected with HMCN1-related conditions. ClinVar contains an entry for this variant (Variation ID: 2413690). An algorithm developed to predict the effect of missense changes on protein structure and function (PolyPhen-2) suggests that this variant is likely to be disruptive. In summary, the available evidence is currently insufficient to determine the role of this variant in disease. Therefore, it has been classified as a Variant of Uncertain Significance.

NM_031935.3(HMCN1):c.9730C>T (p.Pro3244Ser)

Gene: HMCN1 (hemicentin 1; plus strand). Cytogenetic location: 1q31.1.
Variant type: single nucleotide variant.
Coding change: c.9730C>T on transcript NM_031935.3 (MANE Select); coding-DNA position 9730, C replaced by T.
Protein change: p.Pro3244Ser; replaces proline 3244 with serine.
Molecular consequence: missense variant.
Genome position (GRCh38, 1-based): chr1:186,090,760, C>T. VCF-style: chr1-186090760-C-T. GRCh37 (hg19) VCF-style: chr1-186059892-C-T.
Other names: short protein forms P3244S.
Identifiers: ClinVar variation 2413690 (VCV002413690.6), dbSNP rs141255890, ClinGen allele CA1293532.
Genomic context (GRCh38, chr1:186,090,760, plus strand): 5'-TACATTAGAATTTATATCCTGTGTCTTGTTAATGAAATTCCTAATTATTTCTCCAAAGTT[C>T]CTCCAAGTGTTGCTGGTGCTGAAATTCCAAGTGATGTCAGTGTCCTTCTAGGAGAAAATG-3'
Protein context (NP_114141.2, residues 3234-3254): QKYYFLSIQV[Pro3244Ser]PSVAGAEIPS